The following is an entry in ClinVar:

ClinVar aggregate classification (germline): Benign (1 of 4 stars; one submission).

Conditions:
Lynch syndrome 5 (LYNCH5). Also called: Colorectal cancer, hereditary nonpolyposis, type 5; Hereditary non-polyposis colorectal cancer, type 5. Identifiers: Orphanet 144, MedGen C1833477, MONDO:0013710, OMIM 614350. Disease mechanism: loss of function.

gnomAD v4.1: 1 of 1,614,138 alleles (0.000062%); highest among the groups gnomAD compares: South Asian, 0.0011%; no homozygotes.

Submission:

Myriad Genetics, Inc.
Classification: Benign for Lynch syndrome 5. Last evaluated: 2024-12-30. Review status: criteria provided, single submitter. Criteria: Myriad Autosomal Dominant, Autosomal Recessive and X-Linked Classification Criteria (2023). Collection method: clinical testing. Allele origin: unknown.
Comment: This variant is considered benign. This variant is a silent/synonymous amino acid change and it is not expected to impact splicing.

NM_000179.3(MSH6):c.1992A>C (p.Ser664=)

Gene: MSH6 (mutS homolog 6; plus strand). Cytogenetic location: 2p16.3.
Variant type: single nucleotide variant.
Coding change: c.1992A>C on transcript NM_000179.3 (MANE Select); coding-DNA position 1992, A replaced by C.
Protein change: p.Ser664=; no amino-acid change (serine 664 retained).
Molecular consequence: synonymous variant. On other transcripts: non-coding transcript variant (5), intron variant (2).
Genome position (GRCh38, 1-based): chr2:47,799,975, A>C. VCF-style: chr2-47799975-A-C. GRCh37 (hg19) VCF-style: chr2-48027114-A-C.
Other names: c.1602A>C, p.Ser534= (NM_001281492.2); c.1086A>C, p.Ser362= (NM_001281493.2, NM_001281494.2, NM_001406811.1 and 6 more transcripts); c.2088A>C, p.Ser696= (NM_001406795.1, NM_001406802.1); c.1992A>C, p.Ser664= (NM_001406796.1, NM_001406798.1, NM_001406800.1 and 3 more transcripts); c.1695A>C, p.Ser565= (NM_001406797.1, NM_001406801.1, NM_001406805.1 and 10 more transcripts); c.1467A>C, p.Ser489= (NM_001406799.1, NM_001406806.1, NM_001406807.1); c.1914A>C, p.Ser638= (NM_001406804.1); c.1998A>C, p.Ser666= (NM_001406813.1); and 3 more.
Identifiers: ClinVar variation 3904308 (VCV003904308.1).